The following is an entry in ClinVar:

NM_004656.4(BAP1):c.331_334dup (p.Leu112fs)

Gene: BAP1 (BRCA1 associated deubiquitinase 1; minus strand). Cytogenetic location: 3p21.1.
Variant type: Microsatellite.
Coding change: c.331_334dup on transcript NM_004656.4 (MANE Select); coding-DNA positions 331 to 334, 4 bases duplicated (ACCC; older notation c.331_334dupACCC).
Protein change: p.Leu112fs; shifts the reading frame from leucine 112.
Molecular consequence: frameshift variant.
Genome position (GRCh38, 1-based): chr3:52,407,999-52,408,002, GGGT duplicated on the plus strand (ACCC on the coding strand, the reverse complement: BAP1 is on the minus strand); duplicating any 4 consecutive bases within chr3:52,407,999-52,408,006 gives the same sequence; the c. name uses the placement nearest the transcript's 3' end. VCF-style (leftmost placement, unchanged base first): chr3-52407998-A-AGGGT. GRCh37 (hg19) VCF-style: chr3-52442014-A-AGGGT.
Other names: c.331_334dup, p.Leu112fs (NM_001410772.1); c.327_330ACCC[3], p.Leu112Hisfs (NM_004656.2); c.331_334dupACCC (NM_004656.2); short protein forms L112fs.
Identifiers: ClinVar variation 3818815 (VCV003818815.1).

ClinVar aggregate classification (germline): Pathogenic (1 of 4 stars; one submission).

Conditions:
Hereditary cancer-predisposing syndrome. Also called: Hereditary neoplastic syndrome; Neoplastic Syndromes, Hereditary; Tumor predisposition; Hereditary Cancer Syndrome. Identifiers: Orphanet 140162, MedGen C0027672, MeSH D009386, MONDO:0015356.

Submission:

Ambry Genetics
Classification: Pathogenic for Hereditary cancer-predisposing syndrome. Last evaluated: 2024-12-19. Review status: criteria provided, single submitter. Criteria: Ambry Variant Classification Scheme 2023. Collection method: clinical testing. Allele origin: germline.
Comment: The c.331_334dupACCC pathogenic mutation, located in coding exon 5 of the BAP1 gene, results from a duplication of ACCC at nucleotide position 331, causing a translational frameshift with a predicted alternate stop codon (p.L112Hfs*15). This variant is considered to be rare based on population cohorts in the Genome Aggregation Database (gnomAD). This alteration is expected to result in loss of function by premature protein truncation or nonsense-mediated mRNA decay. As such, this alteration is interpreted as a disease-causing mutation.